The following is an entry in ClinVar:

NM_001368809.2(AMPD2):c.1080+9T>C

Genes: AMPD2 (adenosine monophosphate deaminase 2; plus strand), LOC126805822 (BRD4-independent group 4 enhancer GRCh37_chr1:110170748-110171947; plus strand). Cytogenetic location: 1p13.3.
Variant type: single nucleotide variant.
Coding change: c.1080+9T>C on transcript NM_001368809.2 (MANE Select); 9 bases into the intron after coding-DNA position 1080, T replaced by C.
Molecular consequence: intron variant.
Genome position (GRCh38, 1-based): chr1:109,627,912, T>C. VCF-style: chr1-109627912-T-C. GRCh37 (hg19) VCF-style: chr1-110170534-T-C.
Other names: c.999+9T>C (NM_139156.4); c.1017+9T>C (NM_001308170.1); c.1080+9T>C (NM_004037.9); c.888+9T>C (NM_001257361.2); c.1242+9T>C (NM_001257360.1).
Identifiers: ClinVar variation 703857 (VCV000703857.15), dbSNP rs202160763, ClinGen allele CA993008.

ClinVar aggregate classification (germline): Benign/Likely benign. Review status: criteria provided, multiple submitters, no conflicts (2 of 4 stars). 5 submissions from 4 submitters: Benign (3); Likely benign (1). 1 of the submissions does not count toward it. Last evaluated 2026-01-29.

Conditions:
AMPD2-related disorder. Also called: AMPD2-related condition.
Hereditary spastic paraplegia 63. Also called: Spastic paraplegia 63, autosomal recessive. Identifiers: Orphanet 401805, MedGen C3810295, MONDO:0014305, OMIM 615686.
Pontocerebellar hypoplasia type 9. Identifiers: Orphanet 369920, MedGen C4014354, MONDO:0014351, OMIM 615809.

Allele frequency attached by ClinVar (database versions not stated): ExAC 0.00234; gnomAD 0.00010 and 0.00070; TOPMed 0.00012; gnomAD exomes 0.00107 and 0.00222; 1000 Genomes Project 0.00300; 1000 Genomes Project 30x 0.00312.
gnomAD v4.1: 1,671 of 1,610,952 alleles (0.1%); highest among the groups gnomAD compares: South Asian, 1.7%; 25 homozygotes.

Submissions (5):

Labcorp Genetics (formerly Invitae), Labcorp
Classification: Benign for Pontocerebellar hypoplasia type 9; Hereditary spastic paraplegia 63. Last evaluated: 2026-01-29. Review status: criteria provided, single submitter. Criteria: Invitae Variant Classification Sherloc (09022015). Collection method: clinical testing. Allele origin: germline.

Genome-Nilou Lab
Classification: Benign for Hereditary spastic paraplegia 63. Last evaluated: 2023-04-11. Review status: criteria provided, single submitter. Criteria: ACMG Guidelines, 2015. Collection method: clinical testing. Allele origin: germline. Affected: no.

Genome-Nilou Lab
Classification: Benign for Pontocerebellar hypoplasia type 9. Last evaluated: 2023-04-11. Review status: criteria provided, single submitter. Criteria: ACMG Guidelines, 2015. Collection method: clinical testing. Allele origin: germline. Affected: no.

GeneDx
Classification: Likely benign. Last evaluated: 2019-02-02. Review status: criteria provided, single submitter. Criteria: GeneDx Variant Classification Process June 2021. Collection method: clinical testing. Allele origin: germline. Affected: yes.

PreventionGenetics, part of Exact Sciences
Classification: Likely benign for AMPD2-related condition. Last evaluated: 2019-04-08. Review status: no assertion criteria provided. Collection method: clinical testing. Allele origin: germline. Not counted in ClinVar's aggregate classification.
Comment: This variant is classified as likely benign based on ACMG/AMP sequence variant interpretation guidelines (Richards et al. 2015 PMID: 25741868, with internal and published modifications).